The following is an entry in ClinVar:

ClinVar aggregate classification (germline): Pathogenic (1 of 4 stars; one submission).

Submission:

Labcorp Genetics (formerly Invitae), Labcorp
Classification: Pathogenic. Last evaluated: 2020-02-18. Review status: criteria provided, single submitter. Criteria: Invitae Variant Classification Sherloc (09022015). Collection method: clinical testing. Allele origin: germline.
Comment: This variant has not been reported in the literature in individuals with PHEX-related conditions. This sequence change creates a premature translational stop signal (p.Gly675Alafs*12) in the PHEX gene. It is expected to result in an absent or disrupted protein product. This variant is not present in population databases (ExAC no frequency). Loss-of-function variants in PHEX are known to be pathogenic (PMID: 9097956, 9106524, 19219621). For these reasons, this variant has been classified as Pathogenic.

Literature cited by the submitters: PubMed 9097956; PubMed 9106524; PubMed 19219621.

NM_000444.6(PHEX):c.2022del (p.Gly675fs)

Genes: PHEX (phosphate regulating endopeptidase X-linked; plus strand), PTCHD1-AS (PTCHD1 and PHEX antisense RNA; minus strand). Cytogenetic location: Xp22.11.
Variant type: Deletion.
Coding change: c.2022del on transcript NM_000444.6 (MANE Select); coding-DNA position 2022, one base deleted (A; older notation c.2022delA).
Protein change: p.Gly675fs; shifts the reading frame from glycine 675.
Molecular consequence: frameshift variant. On other transcripts: non-coding transcript variant (1).
Genome position (GRCh38, 1-based): chrX:22,227,563, A deleted. VCF-style (leftmost placement, unchanged base first): chrX-22227562-CA-C. GRCh37 (hg19) VCF-style: chrX-22245679-CA-C.
Other names: c.2022del, p.Gly675fs (NM_001282754.2); short protein forms G675fs.
Identifiers: ClinVar variation 1071615 (VCV001071615.7), dbSNP rs2147184719, ClinGen allele CA2499226588.